The following is an entry in ClinVar:

NM_012079.6(DGAT1):c.554T>C (p.Leu185Pro)

Gene: DGAT1 (diacylglycerol O-acyltransferase 1; minus strand). Cytogenetic location: 8q24.3.
Variant type: single nucleotide variant.
Coding change: c.554T>C on transcript NM_012079.6 (MANE Select); coding-DNA position 554, T replaced by C.
Protein change: p.Leu185Pro; replaces leucine 185 with proline.
Molecular consequence: missense variant.
Genome position (GRCh38, 1-based): chr8:144,318,481, A>G on the plus strand (T>C on the coding strand, the complement: DGAT1 is on the minus strand). VCF-style: chr8-144318481-A-G. GRCh37 (hg19) VCF-style: chr8-145542144-A-G.
Other names: short protein forms L185P.
Identifiers: ClinVar variation 1911665 (VCV001911665.2), dbSNP rs782648879, ClinGen allele CA4936995.
Genomic context (GRCh38, chr8:144,318,481, plus strand): 5'-CTGGCCCGAGACAGATGGGCAGGGTGGGATGGGGGCGCACCTGGAGTGATAGACTCAACC[A>G]GTAAGACCACAGCCGCTGGGAAACACAGAATGGTGGCCAGGTTGGCCACGTGCAGCAGCA-3'
Protein context (NP_036211.2, residues 175-195): ILCFPAAVVL[Leu185Pro]VESITPVGSL

ClinVar aggregate classification (germline): Uncertain significance (1 of 4 stars; one submission).

Allele frequency attached by ClinVar (database versions not stated): ExAC 0.00001; gnomAD 0.00003; TOPMed 0.00003; gnomAD exomes 0.00004.
gnomAD v4.1: 66 of 1,611,440 alleles (0.0041%); highest among the groups gnomAD compares: Non-Finnish European, 0.0053%; 1 homozygote.

Submission:

Labcorp Genetics (formerly Invitae), Labcorp
Classification: Uncertain significance. Last evaluated: 2021-08-31. Review status: criteria provided, single submitter. Criteria: Invitae Variant Classification Sherloc (09022015). Collection method: clinical testing. Allele origin: germline.
Comment: This sequence change replaces leucine with proline at codon 185 of the DGAT1 protein (p.Leu185Pro). The leucine residue is weakly conserved and there is a moderate physicochemical difference between leucine and proline. This variant is present in population databases (rs782648879, ExAC 0.002%). This variant has not been reported in the literature in individuals affected with DGAT1-related conditions. Algorithms developed to predict the effect of missense changes on protein structure and function are either unavailable or do not agree on the potential impact of this missense change (SIFT: "Tolerated"; PolyPhen-2: "Possibly Damaging"; Align-GVGD: "Class C0"). In summary, the available evidence is currently insufficient to determine the role of this variant in disease. Therefore, it has been classified as a Variant of Uncertain Significance.